The following is an entry in ClinVar:

ClinVar aggregate classification (germline): Uncertain significance (1 of 4 stars; one submission).

gnomAD v4.1: 1 of 1,613,176 alleles (0.000062%); highest among the groups gnomAD compares: African/African-American, 0.0013%; no homozygotes.

Submission:

Labcorp Genetics (formerly Invitae), Labcorp
Classification: Uncertain significance. Last evaluated: 2022-07-12. Review status: criteria provided, single submitter. Criteria: Invitae Variant Classification Sherloc (09022015). Collection method: clinical testing. Allele origin: germline.
Comment: This variant has not been reported in the literature in individuals affected with RDH5-related conditions. In summary, the available evidence is currently insufficient to determine the role of this variant in disease. Therefore, it has been classified as a Variant of Uncertain Significance. Algorithms developed to predict the effect of missense changes on protein structure and function (SIFT, PolyPhen-2, Align-GVGD) all suggest that this variant is likely to be tolerated. ClinVar contains an entry for this variant (Variation ID: 862594). This variant is not present in population databases (gnomAD no frequency). This sequence change replaces alanine, which is neutral and non-polar, with glycine, which is neutral and non-polar, at codon 184 of the RDH5 protein (p.Ala184Gly).

NM_002905.5(RDH5):c.551C>G (p.Ala184Gly)

Genes: BLOC1S1-RDH5 (BLOC1S1-RDH5 readthrough; plus strand), RDH5 (retinol dehydrogenase 5; plus strand). Cytogenetic location: 12q13.2.
Variant type: single nucleotide variant.
Coding change: c.551C>G on transcript NM_002905.5 (MANE Select); coding-DNA position 551, C replaced by G.
Protein change: p.Ala184Gly; replaces alanine 184 with glycine.
Molecular consequence: missense variant. On other transcripts: non-coding transcript variant (1).
Genome position (GRCh38, 1-based): chr12:55,721,929, C>G. VCF-style: chr12-55721929-C-G. GRCh37 (hg19) VCF-style: chr12-56115713-C-G.
Other names: c.551C>G, p.Ala184Gly (NM_001199771.3); short protein forms A184G.
Identifiers: ClinVar variation 862594 (VCV000862594.9), dbSNP rs1208550240, ClinGen allele CA385201205.